The following is an entry in ClinVar:

NM_001256545.2(MEGF10):c.956T>C (p.Leu319Pro)

Gene: MEGF10 (multiple EGF like domains 10; plus strand). Cytogenetic location: 5q23.2.
Variant type: single nucleotide variant.
Coding change: c.956T>C on transcript NM_001256545.2 (MANE Select); coding-DNA position 956, T replaced by C.
Protein change: p.Leu319Pro; replaces leucine 319 with proline.
Molecular consequence: missense variant.
Genome position (GRCh38, 1-based): chr5:127,410,427, T>C. VCF-style: chr5-127410427-T-C. GRCh37 (hg19) VCF-style: chr5-126746119-T-C.
Other names: c.956T>C, p.Leu319Pro (NM_001308119.2, NM_001308121.2, NM_032446.3); short protein forms L319P.
Identifiers: ClinVar variation 539962 (VCV000539962.9), dbSNP rs991317565, ClinGen allele CA126939349.

ClinVar aggregate classification (germline): Uncertain significance (1 of 4 stars; one submission).

Conditions:
MEGF10-related myopathy (CMYO10A). Also called: Congenital myopathy 10A, severe variant. Identifiers: Orphanet 439212, MedGen C3280679, MONDO:0013731, OMIM 614399.

Allele frequency attached by ClinVar (database versions not stated): gnomAD exomes below 0.00001 and 0.00001; TOPMed 0.00002.
gnomAD v4.1: 5 of 1,614,268 alleles (0.00031%); highest among the groups gnomAD compares: Admixed American, 0.005%; no homozygotes.

Submission:

Labcorp Genetics (formerly Invitae), Labcorp
Classification: Uncertain significance for MEGF10-related myopathy. Last evaluated: 2022-07-18. Review status: criteria provided, single submitter. Criteria: Invitae Variant Classification Sherloc (09022015). Collection method: clinical testing. Allele origin: germline.
Comment: In summary, the available evidence is currently insufficient to determine the role of this variant in disease. Therefore, it has been classified as a Variant of Uncertain Significance. Algorithms developed to predict the effect of missense changes on protein structure and function (SIFT, PolyPhen-2, Align-GVGD) all suggest that this variant is likely to be tolerated. ClinVar contains an entry for this variant (Variation ID: 539962). This variant has not been reported in the literature in individuals affected with MEGF10-related conditions. This variant is not present in population databases (gnomAD no frequency). This sequence change replaces leucine, which is neutral and non-polar, with proline, which is neutral and non-polar, at codon 319 of the MEGF10 protein (p.Leu319Pro).